The following is an entry in ClinVar:

NM_001199107.2(TBC1D24):c.1410C>T (p.Ser470=)

Gene: TBC1D24 (TBC1 domain family member 24; plus strand). Cytogenetic location: 16p13.3.
Variant type: single nucleotide variant.
Coding change: c.1410C>T on transcript NM_001199107.2 (MANE Select); coding-DNA position 1410, C replaced by T.
Protein change: p.Ser470=; no amino-acid change (serine 470 retained).
Molecular consequence: synonymous variant.
Genome position (GRCh38, 1-based): chr16:2,500,375, C>T. VCF-style: chr16-2500375-C-T. GRCh37 (hg19) VCF-style: chr16-2550376-C-T.
Other names: c.1392C>T, p.Ser464= (NM_020705.3).
Identifiers: ClinVar variation 699068 (VCV000699068.18), dbSNP rs553497128, ClinGen allele CA7844287.

ClinVar aggregate classification (germline): Conflicting classifications of pathogenicity. Review status: criteria provided, conflicting classifications (1 of 4 stars). 4 submissions from 4 submitters: Uncertain significance (1); Likely benign (2). 1 of the submissions does not count toward it. Last evaluated 2026-01-28.

Conditions:
Autosomal dominant nonsyndromic hearing loss 65. Also called: Deafness, autosomal dominant 65; TBC1D24-Related Autosomal Dominant Nonsyndromic Hearing Loss (DFNA). Identifiers: Orphanet 90635, MedGen C3892048, MONDO:0014470, OMIM 616044.
Developmental and epileptic encephalopathy, 1 (DEE1). Also called: OHTAHARA SYNDROME, X-LINKED; INFANTILE SPASM SYNDROME, X-LINKED 1; Epileptic encephalopathy, early infantile, 1; X-linked infantile spasms; West's syndrome; Tonic spasms with clustering, arrest of psychomotor development and hypsarrhythmia on EEG. Identifiers: MedGen C3463992, MONDO:0010632, OMIM 308350. Disease mechanism: loss of function.
TBC1D24-related disorder. Also called: TBC1D24-related condition; TBC1D24-related disorders. Identifiers: MedGen CN381194.

Allele frequency attached by ClinVar (database versions not stated): gnomAD 0.00003; TOPMed 0.00004; 1000 Genomes Project 30x 0.00031; 1000 Genomes Project 0.00040.
gnomAD v4.1: 75 of 1,607,608 alleles (0.0047%); highest among the groups gnomAD compares: East Asian, 0.061%; no homozygotes.

Submissions (4):

Labcorp Genetics (formerly Invitae), Labcorp
Classification: Likely benign for Developmental and epileptic encephalopathy, 1; Autosomal dominant nonsyndromic hearing loss 65. Last evaluated: 2026-01-28. Review status: criteria provided, single submitter. Criteria: Invitae Variant Classification Sherloc (09022015). Collection method: clinical testing. Allele origin: germline.

GeneDx
Classification: Uncertain significance. Last evaluated: 2022-09-13. Review status: criteria provided, single submitter. Criteria: GeneDx Variant Classification Process June 2021. Collection method: clinical testing. Allele origin: germline. Affected: yes.
Comment: Has not been previously published as pathogenic or benign to our knowledge; In silico analysis suggests this variant may impact gene splicing. In the absence of RNA/functional studies, the actual effect of this sequence change is unknown.

Blueprint Genetics
Classification: Likely benign. Last evaluated: 2020-01-03. Review status: criteria provided, single submitter. Criteria: ACMG Guidelines, 2015. Collection method: clinical testing. Allele origin: germline.

PreventionGenetics, part of Exact Sciences
Classification: Likely benign for TBC1D24-related condition. Last evaluated: 2019-05-03. Review status: no assertion criteria provided. Collection method: clinical testing. Allele origin: germline. Not counted in ClinVar's aggregate classification.
Comment: This variant is classified as likely benign based on ACMG/AMP sequence variant interpretation guidelines (Richards et al. 2015 PMID: 25741868, with internal and published modifications).